The following is an entry in ClinVar:

ClinVar aggregate classification (germline): Uncertain significance. Review status: criteria provided, multiple submitters, no conflicts (2 of 4 stars). 4 submissions from 3 submitters: Uncertain significance (4). Last evaluated 2025-09-28.

Conditions:
Inborn genetic diseases. Identifiers: MedGen C0950123, MeSH D030342.
Familial cutaneous telangiectasia and oropharyngeal predisposition cancer syndrome. Identifiers: Orphanet 313846, MedGen C3281203, MONDO:0013806, OMIM 614564.
Seckel syndrome 1 (SCKL1). Also called: MICROCEPHALIC PRIMORDIAL DWARFISM I. Identifiers: Orphanet 808, MedGen C4551474, MONDO:0008869, OMIM 210600.

Allele frequency attached by ClinVar (database versions not stated): gnomAD exomes 0.00001; ExAC 0.00002; ESP Exome Variant Server 0.00008.
gnomAD v4.1: 3 of 1,614,088 alleles (0.00019%); highest among the groups gnomAD compares: Non-Finnish European, 0.00025%; no homozygotes.

Submissions (4):

Labcorp Genetics (formerly Invitae), Labcorp
Classification: Uncertain significance. Last evaluated: 2025-09-28. Review status: criteria provided, single submitter. Criteria: Invitae Variant Classification Sherloc (09022015). Collection method: clinical testing. Allele origin: germline.
Comment: This sequence change replaces tryptophan, which is neutral and slightly polar, with arginine, which is basic and polar, at codon 658 of the ATR protein (p.Trp658Arg). This variant is present in population databases (rs372411144, gnomAD 0.003%). This variant has not been reported in the literature in individuals affected with ATR-related conditions. ClinVar contains an entry for this variant (Variation ID: 1500065). An algorithm developed to predict the effect of missense changes on protein structure and function (PolyPhen-2) suggests that this variant is likely to be tolerated. In summary, the available evidence is currently insufficient to determine the role of this variant in disease. Therefore, it has been classified as a Variant of Uncertain Significance.

Ambry Genetics
Classification: Uncertain significance for Inborn genetic diseases. Last evaluated: 2024-04-19. Review status: criteria provided, single submitter. Criteria: Ambry Variant Classification Scheme 2023. Collection method: clinical testing. Allele origin: germline.
Comment: The p.W658R variant (also known as c.1972T>C), located in coding exon 9 of the ATR gene, results from a T to C substitution at nucleotide position 1972. The tryptophan at codon 658 is replaced by arginine, an amino acid with dissimilar properties. This amino acid position is conserved. In addition, this alteration is predicted to be tolerated by in silico analysis. Since supporting evidence is limited at this time, the clinical significance of this alteration remains unclear.

Genome-Nilou Lab
Classification: Uncertain significance for Seckel syndrome 1. Last evaluated: 2023-02-08. Review status: criteria provided, single submitter. Criteria: ACMG Guidelines, 2015. Collection method: clinical testing. Allele origin: germline.

Genome-Nilou Lab
Classification: Uncertain significance for Familial cutaneous telangiectasia and oropharyngeal predisposition cancer syndrome. Last evaluated: 2023-02-08. Review status: criteria provided, single submitter. Criteria: ACMG Guidelines, 2015. Collection method: clinical testing. Allele origin: germline.

NM_001184.4(ATR):c.1972T>C (p.Trp658Arg)

Gene: ATR (ATR checkpoint kinase; minus strand). Cytogenetic location: 3q23.
Variant type: single nucleotide variant.
Coding change: c.1972T>C on transcript NM_001184.4 (MANE Select); coding-DNA position 1972, T replaced by C.
Protein change: p.Trp658Arg; replaces tryptophan 658 with arginine.
Molecular consequence: missense variant.
Genome position (GRCh38, 1-based): chr3:142,556,489, A>G on the plus strand (T>C on the coding strand, the complement: ATR is on the minus strand). VCF-style: chr3-142556489-A-G. GRCh37 (hg19) VCF-style: chr3-142275331-A-G.
Other names: c.1780T>C, p.Trp594Arg (NM_001354579.2); short protein forms W594R, W658R.
Identifiers: ClinVar variation 1500065 (VCV001500065.11), dbSNP rs372411144, ClinGen allele CA2650458.